The following is an entry in ClinVar:

NM_002500.5(NEUROD1):c.174GGA[2] (p.Glu60del)

Gene: NEUROD1 (neuronal differentiation 1; minus strand). Cytogenetic location: 2q31.3.
Variant type: Microsatellite.
Coding change: c.174GGA[2] on transcript NM_002500.5 (MANE Select); two copies in a row of the 3-base unit GGA starting at c.174; the reference has three copies in a row; one copy, 3 bases deleted.
Protein change: p.Glu60del; deletes glutamic acid 60.
Genome position (GRCh38, 1-based): chr2:181,678,679-181,678,681, TCC deleted on the plus strand (GGA on the coding strand, the reverse complement: NEUROD1 is on the minus strand); deleting any 3 consecutive bases within chr2:181,678,679-181,678,689 gives the same sequence; the position shown is the placement nearest the transcript's 3' end. VCF-style (leftmost placement, unchanged base first): chr2-181678678-GTCC-G. GRCh37 (hg19) VCF-style: chr2-182543405-GTCC-G.
Other names: short protein forms E60del.
Identifiers: ClinVar variation 4777995 (VCV004777995.1).

ClinVar aggregate classification (germline): Uncertain significance (1 of 4 stars; one submission).

Submission:

Labcorp Genetics (formerly Invitae), Labcorp
Classification: Uncertain significance. Last evaluated: 2025-07-03. Review status: criteria provided, single submitter. Criteria: Invitae Variant Classification Sherloc (09022015). Collection method: clinical testing. Allele origin: germline.
Comment: This variant, c.180_182del, results in the deletion of 1 amino acid(s) of the NEUROD1 protein (p.Glu60del), but otherwise preserves the integrity of the reading frame. This variant is present in population databases (rs759234969, gnomAD 0.003%). This variant has not been reported in the literature in individuals affected with NEUROD1-related conditions. Experimental studies and prediction algorithms are not available or were not evaluated, and the functional significance of this variant is currently unknown. In summary, the available evidence is currently insufficient to determine the role of this variant in disease. Therefore, it has been classified as a Variant of Uncertain Significance.